The following is an entry in ClinVar:

NM_024740.2(ALG9):c.396A>G (p.Gln132=)

Gene: ALG9 (ALG9 alpha-1,2-mannosyltransferase; minus strand). Cytogenetic location: 11q23.1.
Variant type: single nucleotide variant.
Coding change: c.396A>G on transcript NM_024740.2 (MANE Select); coding-DNA position 396, A replaced by G.
Protein change: p.Gln132=; no amino-acid change (glutamine 132 retained).
Molecular consequence: synonymous variant. On other transcripts: 5 prime UTR variant (15), non-coding transcript variant (1).
Genome position (GRCh38, 1-based): chr11:111,868,611, T>C on the plus strand (A>G on the coding strand, the complement: ALG9 is on the minus strand). VCF-style: chr11-111868611-T-C. GRCh37 (hg19) VCF-style: chr11-111739334-T-C.
Other names: c.396A>G, p.Gln132= (NM_001077690.1, NM_001352417.1, NM_001352418.1 and 4 more transcripts); c.-118A>G (NM_001077691.2, NM_001077692.2, NM_001352409.1 and 11 more transcripts); c.-336A>G (NM_001352422.2).
Identifiers: ClinVar variation 4984235 (VCV004984235.1).

ClinVar aggregate classification (germline): Likely benign (1 of 4 stars; one submission).

Conditions:
ALG9-related disorder. Also called: ALG9-related condition.

gnomAD v4.1: 3 of 1,613,942 alleles (0.00019%); highest among the groups gnomAD compares: African/African-American, 0.0013%; no homozygotes.

Submission:

PreventionGenetics, part of Exact Sciences
Classification: Likely benign for ALG9-related condition. Last evaluated: 2025-10-03. Review status: criteria provided, single submitter. Criteria: ACMG Guidelines, 2015. Collection method: clinical testing. Allele origin: germline.
Comment: This variant is classified as likely benign based on ACMG/AMP sequence variant interpretation guidelines (Richards et al. 2015 PMID: 25741868, with internal and published modifications).